The following is an entry in ClinVar:

NM_024426.6(WT1):c.649A>T (p.Ile217Phe)

Genes: WT1 (WT1 transcription factor; minus strand), LOC107982234 (WT1/WT1-AS bi-directional promoter region; plus strand). Cytogenetic location: 11p13.
Variant type: single nucleotide variant.
Coding change: c.649A>T on transcript NM_024426.6 (MANE Select); coding-DNA position 649, A replaced by T.
Protein change: p.Ile217Phe; replaces isoleucine 217 with phenylalanine.
Molecular consequence: missense variant. On other transcripts: non-coding transcript variant (1).
Genome position (GRCh38, 1-based): chr11:32,434,712, T>A on the plus strand (A>T on the coding strand, the complement: WT1 is on the minus strand). VCF-style: chr11-32434712-T-A. GRCh37 (hg19) VCF-style: chr11-32456258-T-A.
Other names: c.649A>T, p.Ile217Phe (NM_000378.6, NM_024424.5); short protein forms I217F.
Identifiers: ClinVar variation 837862 (VCV000837862.10), dbSNP rs1384974578, ClinGen allele CA379964418.

ClinVar aggregate classification (germline): Uncertain significance (1 of 4 stars; one submission).

Conditions:
Drash syndrome (DDS). Also called: WILMS TUMOR AND PSEUDO- OR TRUE HERMAPHRODITISM; NEPHROPATHY, WILMS TUMOR, AND GENITAL ANOMALIES. Identifiers: Orphanet 220, MedGen C0950121, MONDO:0008682, OMIM 194080.
Frasier syndrome. Identifiers: Orphanet 347, MedGen C0950122, MeSH D052159, MONDO:0007635, OMIM 136680.
Wilms tumor 1 (WT1). Also called: Wilms tumor, somatic. Identifiers: Orphanet 654, MedGen CN033288, MONDO:0008679, OMIM 194070.
11p partial monosomy syndrome (WAGR). Also called: WAGR Complex; CHROMOSOME 11p13 DELETION SYNDROME; WAGR syndrome; WAGR Spectrum Disorder. Identifiers: Orphanet 893, MedGen C0206115, MONDO:0008681, OMIM 194072.

Allele frequency attached by ClinVar (database versions not stated): TOPMed 0.00001.
gnomAD v4.1: 5 of 1,612,804 alleles (0.00031%); highest among the groups gnomAD compares: Non-Finnish European, 0.00042%; no homozygotes.

Submission:

Labcorp Genetics (formerly Invitae), Labcorp
Classification: Uncertain significance for Wilms tumor 1; Drash syndrome; 11p partial monosomy syndrome; Frasier syndrome. Last evaluated: 2025-07-30. Review status: criteria provided, single submitter. Criteria: Invitae Variant Classification Sherloc (09022015). Collection method: clinical testing. Allele origin: germline.
Comment: This sequence change replaces isoleucine, which is neutral and non-polar, with phenylalanine, which is neutral and non-polar, at codon 212 of the WT1 protein (p.Ile212Phe). This variant is not present in population databases (gnomAD no frequency). This variant has not been reported in the literature in individuals affected with WT1-related conditions. ClinVar contains an entry for this variant (Variation ID: 837862). Invitae Evidence Modeling of protein sequence and biophysical properties (such as structural, functional, and spatial information, amino acid conservation, physicochemical variation, residue mobility, and thermodynamic stability) indicates that this missense variant is not expected to disrupt WT1 protein function with a negative predictive value of 95%. In summary, the available evidence is currently insufficient to determine the role of this variant in disease. Therefore, it has been classified as a Variant of Uncertain Significance.